The following is an entry in ClinVar:

NM_001017979.3(RAB28):c.75+3C>T

Genes: RAB28 (RAB28, member RAS oncogene family; minus strand), LOC111828517 (Sharpr-MPRA regulatory regions 1971 and 3941; plus strand). Cytogenetic location: 4p15.33.
Variant type: single nucleotide variant.
Coding change: c.75+3C>T on transcript NM_001017979.3 (MANE Select); 3 bases into the intron after coding-DNA position 75, C replaced by T.
Molecular consequence: intron variant.
Genome position (GRCh38, 1-based): chr4:13,484,073, G>A on the plus strand (C>T on the coding strand, the complement: RAB28 is on the minus strand). VCF-style: chr4-13484073-G-A. GRCh37 (hg19) VCF-style: chr4-13485697-G-A.
Other names: c.75+3C>T (NM_004249.4, NM_001159601.2).
Identifiers: ClinVar variation 1011147 (VCV001011147.7), dbSNP rs200024416, ClinGen allele CA2860237.

ClinVar aggregate classification (germline): Uncertain significance (1 of 4 stars; one submission).

Allele frequency attached by ClinVar (database versions not stated): gnomAD exomes below 0.00001 and 0.00002; ExAC 0.00003; TOPMed 0.00004; gnomAD 0.00008 and 0.00009; 1000 Genomes Project 30x 0.00016; 1000 Genomes Project 0.00020.
gnomAD v4.1: 18 of 1,594,270 alleles (0.0011%); highest among the groups gnomAD compares: African/African-American, 0.02%; no homozygotes.

Submission:

Labcorp Genetics (formerly Invitae), Labcorp
Classification: Uncertain significance. Last evaluated: 2024-10-24. Review status: criteria provided, single submitter. Criteria: Invitae Variant Classification Sherloc (09022015). Collection method: clinical testing. Allele origin: germline.
Comment: This sequence change falls in intron 1 of the RAB28 gene. It does not directly change the encoded amino acid sequence of the RAB28 protein. It affects a nucleotide within the consensus splice site. This variant is present in population databases (rs200024416, gnomAD 0.02%). This variant has not been reported in the literature in individuals affected with RAB28-related conditions. ClinVar contains an entry for this variant (Variation ID: 1011147). Variants that disrupt the consensus splice site are a relatively common cause of aberrant splicing (PMID: 17576681, 9536098). Algorithms developed to predict the effect of sequence changes on RNA splicing suggest that this variant is not likely to affect RNA splicing. In summary, the available evidence is currently insufficient to determine the role of this variant in disease. Therefore, it has been classified as a Variant of Uncertain Significance.

Literature cited by the submitters: PubMed 17576681; PubMed 9536098.